The following is an entry in ClinVar:

NM_001367561.1(DOCK7):c.4844T>A (p.Phe1615Tyr)

Gene: DOCK7 (dedicator of cytokinesis 7; minus strand). Cytogenetic location: 1p31.3.
Variant type: single nucleotide variant.
Coding change: c.4844T>A on transcript NM_001367561.1 (MANE Select); coding-DNA position 4844, T replaced by A.
Protein change: p.Phe1615Tyr; replaces phenylalanine 1615 with tyrosine.
Molecular consequence: missense variant.
Genome position (GRCh38, 1-based): chr1:62,496,418, A>T on the plus strand (T>A on the coding strand, the complement: DOCK7 is on the minus strand). VCF-style: chr1-62496418-A-T. GRCh37 (hg19) VCF-style: chr1-62962089-A-T.
Other names: c.4817T>A, p.Phe1606Tyr (NM_001271999.2, NM_001330614.2); c.4724T>A, p.Phe1575Tyr (NM_001272000.2, NM_001272001.2); c.4751T>A, p.Phe1584Tyr (NM_033407.4); c.4751T>A (NM_033407.2); short protein forms F1584Y, F1606Y, F1575Y, F1615Y.
Identifiers: ClinVar variation 445501 (VCV000445501.10), dbSNP rs148491210, ClinGen allele CA885603.

ClinVar aggregate classification (germline): Uncertain significance. Review status: criteria provided, multiple submitters, no conflicts (2 of 4 stars). 4 submissions from 4 submitters: Uncertain significance (4). Last evaluated 2025-01-28.

Conditions:
Inborn genetic diseases. Identifiers: MedGen C0950123, MeSH D030342.
Developmental and epileptic encephalopathy, 23 (DEE23). Also called: Epileptic encephalopathy, early infantile, 23. Identifiers: Orphanet 411986, MedGen C4014492, MONDO:0014371, OMIM 615859.

Allele frequency attached by ClinVar (database versions not stated): gnomAD exomes 0.00002 and 0.00004; ExAC 0.00005; gnomAD 0.00015 and 0.00016; TOPMed 0.00018; ESP Exome Variant Server 0.00023; 1000 Genomes Project 0.00040; 1000 Genomes Project 30x 0.00047.
gnomAD v4.1: 48 of 1,613,704 alleles (0.003%); highest among the groups gnomAD compares: African/African-American, 0.061%; no homozygotes.

Submissions (4):

Ambry Genetics
Classification: Uncertain significance for Inborn genetic diseases. Last evaluated: 2025-01-28. Review status: criteria provided, single submitter. Criteria: Ambry Variant Classification Scheme 2023. Collection method: clinical testing. Allele origin: germline.

Genome-Nilou Lab
Classification: Uncertain significance for Developmental and epileptic encephalopathy, 23. Last evaluated: 2023-04-11. Review status: criteria provided, single submitter. Criteria: ACMG Guidelines, 2015. Collection method: clinical testing. Allele origin: germline. Affected: no.

Labcorp Genetics (formerly Invitae), Labcorp
Classification: Uncertain significance for Developmental and epileptic encephalopathy, 23. Last evaluated: 2022-09-27. Review status: criteria provided, single submitter. Criteria: Invitae Variant Classification Sherloc (09022015). Collection method: clinical testing. Allele origin: germline.
Comment: This sequence change replaces phenylalanine, which is neutral and non-polar, with tyrosine, which is neutral and polar, at codon 1606 of the DOCK7 protein (p.Phe1606Tyr). This variant is present in population databases (rs148491210, gnomAD 0.05%). This variant has not been reported in the literature in individuals affected with DOCK7-related conditions. ClinVar contains an entry for this variant (Variation ID: 445501). Advanced modeling of protein sequence and biophysical properties (such as structural, functional, and spatial information, amino acid conservation, physicochemical variation, residue mobility, and thermodynamic stability) performed at Invitae indicates that this missense variant is not expected to disrupt DOCK7 protein function. In summary, the available evidence is currently insufficient to determine the role of this variant in disease. Therefore, it has been classified as a Variant of Uncertain Significance.

Center for Pediatric Genomic Medicine, Children's Mercy Hospital and Clinics
Classification: Uncertain significance. Last evaluated: 2017-04-28. Review status: criteria provided, single submitter. Criteria: ACMG Guidelines, 2015. Collection method: clinical testing. Allele origin: germline.